The following is an entry in ClinVar:

ClinVar aggregate classification (germline): Pathogenic (1 of 4 stars; one submission).

Conditions:
Hereditary nonpolyposis colorectal neoplasms. Identifiers: MedGen C0009405, MeSH D003123.

Submission:

Labcorp Genetics (formerly Invitae), Labcorp
Classification: Pathogenic for Hereditary nonpolyposis colorectal neoplasms. Last evaluated: 2023-04-12. Review status: criteria provided, single submitter. Criteria: Invitae Variant Classification Sherloc (09022015). Collection method: clinical testing. Allele origin: germline.
Comment: For these reasons, this variant has been classified as Pathogenic. A similar copy number variant has been observed in individual(s) with clinical features of Lynch syndrome (PMID: 20487569, 24323032). This variant is a gross deletion of the genomic region encompassing exon(s) 3 of the MSH6 gene. This deletion is out-of-frame, and is expected to create a premature termination codon and result in an absent or disrupted protein product. Loss-of-function variants in MSH6 are known to be pathogenic (PMID: 18269114, 24362816).

Literature cited by the submitters: PubMed 20487569; PubMed 24323032; PubMed 18269114; PubMed 24362816.

NC_000002.12:g.(?_47795884)_(47796073_?)del

Gene: MSH6 (mutS homolog 6; plus strand). Cytogenetic location: 2p16.3.
Variant type: Deletion.
Identifiers: ClinVar variation 833304 (VCV000833304.3).